The following is an entry in ClinVar:

ClinVar aggregate classification (germline): Benign/Likely benign. Review status: criteria provided, multiple submitters, no conflicts (2 of 4 stars). 3 submissions from 3 submitters: Benign (1); Likely benign (2). Last evaluated 2026-07-02.

Conditions:
Sessile serrated polyposis cancer syndrome (SSPCS). Identifiers: Orphanet 157798, MedGen C4310714, MONDO:0014919, OMIM 617108.

Submissions (3):

Myriad Genetics, Inc.
Classification: Benign for Sessile serrated polyposis cancer syndrome. Last evaluated: 2026-07-02. Review status: criteria provided, single submitter. Criteria: Myriad Autosomal Dominant, Autosomal Recessive and X-Linked Classification Criteria (2023). Collection method: clinical testing. Allele origin: unknown.
Comment: This variant is considered benign. This variant is a silent/synonymous amino acid change and it is not expected to impact splicing.

Ambry Genetics
Classification: Likely benign. Last evaluated: 2024-12-20. Review status: criteria provided, single submitter. Criteria: Ambry Variant Classification Scheme 2023. Collection method: clinical testing. Allele origin: germline.

Labcorp Genetics (formerly Invitae), Labcorp
Classification: Likely benign. Last evaluated: 2024-04-25. Review status: criteria provided, single submitter. Criteria: Invitae Variant Classification Sherloc (09022015). Collection method: clinical testing. Allele origin: germline.

NM_017763.6(RNF43):c.2094C>A (p.Pro698=)

Gene: RNF43 (ring finger protein 43; minus strand). Cytogenetic location: 17q22.
Variant type: single nucleotide variant.
Coding change: c.2094C>A on transcript NM_017763.6 (MANE Select); coding-DNA position 2094, C replaced by A.
Protein change: p.Pro698=; no amino-acid change (proline 698 retained).
Molecular consequence: synonymous variant.
Genome position (GRCh38, 1-based): chr17:58,357,682, G>T on the plus strand (C>A on the coding strand, the complement: RNF43 is on the minus strand). VCF-style: chr17-58357682-G-T. GRCh37 (hg19) VCF-style: chr17-56435043-G-T.
Other names: c.2094C>A, p.Pro698= (NM_001305544.3); c.1713C>A, p.Pro571= (NM_001305545.2).
Identifiers: ClinVar variation 3628477 (VCV003628477.4).